The following is an entry in ClinVar:

NM_015346.4(ZFYVE26):c.5611T>C (p.Cys1871Arg)

Gene: ZFYVE26 (zinc finger FYVE-type containing 26; minus strand). Cytogenetic location: 14q24.1.
Variant type: single nucleotide variant.
Coding change: c.5611T>C on transcript NM_015346.4 (MANE Select); coding-DNA position 5611, T replaced by C.
Protein change: p.Cys1871Arg; replaces cysteine 1871 with arginine.
Molecular consequence: missense variant.
Genome position (GRCh38, 1-based): chr14:67,769,604, A>G on the plus strand (T>C on the coding strand, the complement: ZFYVE26 is on the minus strand). VCF-style: chr14-67769604-A-G. GRCh37 (hg19) VCF-style: chr14-68236321-A-G.
Other names: short protein forms C1871R.
Identifiers: ClinVar variation 577585 (VCV000577585.6), dbSNP rs747790566, ClinGen allele CA7239463.

ClinVar aggregate classification (germline): Uncertain significance (1 of 4 stars; one submission).

Conditions:
Spastic paraplegia. Identifiers: MedGen C0037772, HP:0001258.

Allele frequency attached by ClinVar (database versions not stated): gnomAD exomes below 0.00001; ExAC 0.00001; gnomAD 0.00001; TOPMed 0.00002.
gnomAD v4.1: 8 of 1,613,840 alleles (0.0005%); highest among the groups gnomAD compares: Non-Finnish European, 0.00068%; no homozygotes.

Submission:

Labcorp Genetics (formerly Invitae), Labcorp
Classification: Uncertain significance for Spastic paraplegia. Last evaluated: 2021-08-30. Review status: criteria provided, single submitter. Criteria: Invitae Variant Classification Sherloc (09022015). Collection method: clinical testing. Allele origin: germline.
Comment: This sequence change replaces cysteine with arginine at codon 1871 of the ZFYVE26 protein (p.Cys1871Arg). The cysteine residue is weakly conserved and there is a large physicochemical difference between cysteine and arginine. The frequency data for this variant in the population databases is considered unreliable, as metrics indicate poor data quality at this position in the ExAC database. This variant has not been reported in the literature in individuals affected with ZFYVE26-related conditions. Algorithms developed to predict the effect of missense changes on protein structure and function are either unavailable or do not agree on the potential impact of this missense change (SIFT: "Deleterious"; PolyPhen-2: "Benign"; Align-GVGD: "Class C0"). In summary, the available evidence is currently insufficient to determine the role of this variant in disease. Therefore, it has been classified as a Variant of Uncertain Significance.